The following is an entry in ClinVar:

ClinVar aggregate classification (germline): Benign (3 of 4 stars; one submission).

Conditions:
Breast-ovarian cancer, familial, susceptibility to, 1 (BROVCA1). Also called: BRCA1 Hereditary Breast and Ovarian Cancer; OVARIAN CANCER, SUSCEPTIBILITY TO. Identifiers: Orphanet 145, MedGen C2676676, MONDO:0011450, OMIM 604370. Disease mechanism: loss of function.

Allele frequency attached by ClinVar (database versions not stated): 1000 Genomes Project 0.01378; gnomAD 0.01404 and 0.01505; 1000 Genomes Project 30x 0.01405; TOPMed 0.01499.
gnomAD v4.1: 2,098 of 151,410 alleles (1.4%); highest among the groups gnomAD compares: African/African-American, 4.9%; 65 homozygotes.

Submission:

Evidence-based Network for the Interpretation of Germline Mutant Alleles (ENIGMA)
Classification: Benign for Breast-ovarian cancer, familial 1. Last evaluated: 2015-01-12. Review status: reviewed by expert panel. Criteria: ENIGMA BRCA1/2 Classification Criteria (2015). Collection method: curation. Allele origin: germline.
Comment: Class 1 not pathogenic based on frequency >1% in an outbred sampleset. Frequency 0.06504 (African), derived from 1000 genomes (2012-04-30).

NM_007294.4(BRCA1):c.135-766C>T

Gene: BRCA1 (BRCA1 DNA repair associated; minus strand). Cytogenetic location: 17q21.31.
Variant type: single nucleotide variant.
Coding change: c.135-766C>T on transcript NM_007294.4 (MANE Select); 766 bases into the intron before coding-DNA position 135, C replaced by T.
Molecular consequence: intron variant.
Genome position (GRCh38, 1-based): chr17:43,107,299, G>A on the plus strand (C>T on the coding strand, the complement: BRCA1 is on the minus strand). VCF-style: chr17-43107299-G-A. GRCh37 (hg19) VCF-style: chr17-41259316-G-A.
Other names: IVS 3-766C>T; c.135-766C>T (NM_001407629.1, NM_001407636.1, NM_001407612.1 and 167 more transcripts); c.-54-766C>T (NM_001407917.1, NM_001407902.1, NM_001407956.1 and 58 more transcripts); c.-7-766C>T (NM_001408462.1, NM_001407724.1, NM_001407697.1 and 99 more transcripts); c.135-2343C>T (NM_001408414.1, NM_001408411.1, NM_001407655.1 and 21 more transcripts); c.-218-12439C>T (NM_001407967.1, NM_001407966.1); c.-169-2343C>T (NM_001407959.1, NM_001407962.1, NM_001408512.1 and 4 more transcripts); c.81-2343C>T (NM_001408451.1).
Identifiers: ClinVar variation 209495 (VCV000209495.2), dbSNP rs12946839, ClinGen allele CA276465.